The following is an entry in ClinVar:

NM_000093.5(COL5A1):c.1842T>G (p.Ser614Arg)

Gene: COL5A1 (collagen type V alpha 1 chain; plus strand). Cytogenetic location: 9q34.3.
Variant type: single nucleotide variant.
Coding change: c.1842T>G on transcript NM_000093.5 (MANE Select); coding-DNA position 1842, T replaced by G.
Protein change: p.Ser614Arg; replaces serine 614 with arginine.
Molecular consequence: missense variant.
Genome position (GRCh38, 1-based): chr9:134,756,779, T>G. VCF-style: chr9-134756779-T-G. GRCh37 (hg19) VCF-style: chr9-137648625-T-G.
Other names: c.1842T>G, p.Ser614Arg (NM_001278074.1); short protein forms S614R.
Identifiers: ClinVar variation 2918658 (VCV002918658.5), dbSNP rs1323688837, ClinGen allele CA375445398.

ClinVar aggregate classification (germline): Conflicting classifications of pathogenicity. Review status: criteria provided, conflicting classifications (1 of 4 stars). 3 submissions from 3 submitters: Uncertain significance (2); Likely benign (1). Last evaluated 2025-07-14.

Conditions:
Ehlers-Danlos syndrome, classic type, 1 (EDSCL1). Also called: EDS I; EHLERS-DANLOS SYNDROME, GRAVIS TYPE; EHLERS-DANLOS SYNDROME, SEVERE CLASSIC TYPE; Ehlers-Danlos syndrome, type 1; Ehlers-Danlos Syndrome, Classic Type, COL5A1-Related. Identifiers: MedGen C0268335, MONDO:0019567, OMIM 130000.
Hypoparathyroidism. Identifiers: MedGen C0020626, MONDO:0001220, HP:0000829.

Allele frequency attached by ClinVar (database versions not stated): gnomAD 0.00001; gnomAD exomes 0.00001; TOPMed 0.00001.
gnomAD v4.1: 23 of 1,613,140 alleles (0.0014%); highest among the groups gnomAD compares: Non-Finnish European, 0.0019%; no homozygotes.

Submissions (3):

Labcorp Genetics (formerly Invitae), Labcorp
Classification: Likely benign for Ehlers-Danlos syndrome, classic type, 1. Last evaluated: 2025-07-14. Review status: criteria provided, single submitter. Criteria: Invitae Variant Classification Sherloc (09022015). Collection method: clinical testing. Allele origin: germline.

ARUP Laboratories, Molecular Genetics and Genomics, ARUP Laboratories
Classification: Uncertain significance. Last evaluated: 2024-06-03. Review status: criteria provided, single submitter. Criteria: ARUP Molecular Germline Variant Investigation Process 2024. Collection method: clinical testing. Allele origin: germline.
Comment: The COL5A1 c.1842T>G; p.Ser614Arg variant (rs1323688837), to our knowledge, is not reported in the medical literature or gene specific databases. This variant is only observed on one allele in the Genome Aggregation Database (v2.1.1), indicating it is not a common polymorphism. Computational analyses are uncertain whether this variant is neutral or deleterious (REVEL: 0.446). Due to limited information, the clinical significance of the p.Ser614Arg variant is uncertain at this time.

Cambridge Genomics Laboratory, East Genomic Laboratory Hub, NHS Genomic Medicine Service
Classification: Uncertain significance for Hypoparathyroidism. Last evaluated: 2019-04-17. Review status: criteria provided, single submitter. Criteria: ACGS Best Practice Guidelines for Variant Classification in Rare Disease 2020. Collection method: clinical testing. Allele origin: germline. Affected: yes. Observed: 1 variant allele.